The following is an entry in ClinVar:

ClinVar aggregate classification (germline): Uncertain significance (1 of 4 stars; one submission).

Conditions:
Inclusion body myopathy with Paget disease of bone and frontotemporal dementia. Also called: Inclusion body myopathy with early-onset Paget disease and frontotemporal dementia. Identifiers: Orphanet 52430, MedGen C1833662, MONDO:0000507.
Frontotemporal dementia and/or amyotrophic lateral sclerosis 6 (FTDALS6). Also called: VCP-Related Amyotrophic Lateral Sclerosis/Frontotemporal Dementia; VCP-Related Amyotrophic Lateral Sclerosis. Identifiers: Orphanet 275872, Orphanet 803, MedGen C5436279, MONDO:0013501, OMIM 613954.

gnomAD v4.1: 3 of 1,613,710 alleles (0.00019%); highest among the groups gnomAD compares: Non-Finnish European, 0.00025%; no homozygotes.

Submission:

Labcorp Genetics (formerly Invitae), Labcorp
Classification: Uncertain significance for Inclusion body myopathy with Paget disease of bone and frontotemporal dementia; Frontotemporal dementia and/or amyotrophic lateral sclerosis 6. Last evaluated: 2023-01-18. Review status: criteria provided, single submitter. Criteria: Invitae Variant Classification Sherloc (09022015). Collection method: clinical testing. Allele origin: germline.
Comment: This sequence change falls in intron 14 of the VCP gene. It does not directly change the encoded amino acid sequence of the VCP protein. This variant is not present in population databases (gnomAD no frequency). This variant has not been reported in the literature in individuals affected with VCP-related conditions. Algorithms developed to predict the effect of sequence changes on RNA splicing suggest that this variant may disrupt the consensus splice site. In summary, the available evidence is currently insufficient to determine the role of this variant in disease. Therefore, it has been classified as a Variant of Uncertain Significance.

NM_007126.5(VCP):c.2004+8C>T

Gene: VCP (valosin containing protein; minus strand). Cytogenetic location: 9p13.3.
Variant type: single nucleotide variant.
Coding change: c.2004+8C>T on transcript NM_007126.5 (MANE Select); 8 bases into the intron after coding-DNA position 2004, C replaced by T.
Molecular consequence: intron variant.
Genome position (GRCh38, 1-based): chr9:35,059,485, G>A on the plus strand (C>T on the coding strand, the complement: VCP is on the minus strand). VCF-style: chr9-35059485-G-A. GRCh37 (hg19) VCF-style: chr9-35059482-G-A.
Other names: c.1869+8C>T (NM_001354927.2, NM_001354928.2).
Identifiers: ClinVar variation 2930335 (VCV002930335.3), dbSNP rs2490347632, ClinGen allele CA2689835052.